The following is an entry in ClinVar:

NM_014956.5(CEP164):c.3587T>C (p.Leu1196Ser)

Gene: CEP164 (centrosomal protein 164; plus strand). Cytogenetic location: 11q23.3.
Variant type: single nucleotide variant.
Coding change: c.3587T>C on transcript NM_014956.5 (MANE Select); coding-DNA position 3587, T replaced by C.
Protein change: p.Leu1196Ser; replaces leucine 1196 with serine.
Molecular consequence: missense variant.
Genome position (GRCh38, 1-based): chr11:117,408,010, T>C. VCF-style: chr11-117408010-T-C. GRCh37 (hg19) VCF-style: chr11-117278726-T-C.
Other names: c.3596T>C, p.Leu1199Ser (NM_001271933.2); short protein forms L1196S, L1199S.
Identifiers: ClinVar variation 2052969 (VCV002052969.4), dbSNP rs1246298640, ClinGen allele CA382740795.

ClinVar aggregate classification (germline): Uncertain significance (1 of 4 stars; one submission).

Conditions:
Nephronophthisis 15 (NPHP15). Identifiers: Orphanet 3156, MedGen C3541853, MONDO:0013917, OMIM 614845.

Allele frequency attached by ClinVar (database versions not stated): TOPMed below 0.00001.

Submission:

Labcorp Genetics (formerly Invitae), Labcorp
Classification: Uncertain significance for Nephronophthisis 15. Last evaluated: 2021-12-22. Review status: criteria provided, single submitter. Criteria: Invitae Variant Classification Sherloc (09022015). Collection method: clinical testing. Allele origin: germline.
Comment: This variant is not present in population databases (gnomAD no frequency). This variant has not been reported in the literature in individuals affected with CEP164-related conditions. Algorithms developed to predict the effect of missense changes on protein structure and function (SIFT, PolyPhen-2, Align-GVGD) all suggest that this variant is likely to be disruptive. In summary, the available evidence is currently insufficient to determine the role of this variant in disease. Therefore, it has been classified as a Variant of Uncertain Significance. This sequence change replaces leucine, which is neutral and non-polar, with serine, which is neutral and polar, at codon 1196 of the CEP164 protein (p.Leu1196Ser).